The following is an entry in ClinVar:

ClinVar aggregate classification (germline): Uncertain significance (1 of 4 stars; one submission).

Submission:

Ambry Genetics
Classification: Uncertain significance. Last evaluated: 2025-05-11. Review status: criteria provided, single submitter. Criteria: Ambry Variant Classification Scheme 2023. Collection method: clinical testing. Allele origin: germline.
Comment: The p.M376I variant (also known as c.1128G>C), located in coding exon 1 of the TET2 gene, results from a G to C substitution at nucleotide position 1128. The methionine at codon 376 is replaced by isoleucine, an amino acid with highly similar properties. This amino acid position is conserved. In addition, this alteration is predicted to be tolerated by in silico analysis. Based on the available evidence, the clinical significance of this variant remains unclear.

NM_001127208.3(TET2):c.1128G>C (p.Met376Ile)

Genes: TET2 (tet methylcytosine dioxygenase 2; plus strand), TET2-AS1 (TET2 antisense RNA 1; minus strand). Cytogenetic location: 4q24.
Variant type: single nucleotide variant.
Coding change: c.1128G>C on transcript NM_001127208.3 (MANE Select); coding-DNA position 1128, G replaced by C.
Protein change: p.Met376Ile; replaces methionine 376 with isoleucine.
Molecular consequence: missense variant.
Genome position (GRCh38, 1-based): chr4:105,235,070, G>C. VCF-style: chr4-105235070-G-C. GRCh37 (hg19) VCF-style: chr4-106156227-G-C.
Other names: c.1128G>C, p.Met376Ile (NM_017628.4); short protein forms M376I.
Identifiers: ClinVar variation 3967622 (VCV003967622.1).